The following is an entry in ClinVar:

NM_015001.3(SPEN):c.2766G>A (p.Thr922=)

Gene: SPEN (spen family transcriptional repressor; plus strand). Cytogenetic location: 1p36.13.
Variant type: single nucleotide variant.
Coding change: c.2766G>A on transcript NM_015001.3 (MANE Select); coding-DNA position 2766, G replaced by A.
Protein change: p.Thr922=; no amino-acid change (threonine 922 retained).
Molecular consequence: synonymous variant.
Genome position (GRCh38, 1-based): chr1:15,929,006, G>A. VCF-style: chr1-15929006-G-A. GRCh37 (hg19) VCF-style: chr1-16255501-G-A.
Identifiers: ClinVar variation 2638310 (VCV002638310.24), dbSNP rs757407221, ClinGen allele CA619337.

ClinVar aggregate classification (germline): Likely benign (1 of 4 stars; one submission).

Allele frequency attached by ClinVar (database versions not stated): gnomAD 0.00003; TOPMed 0.00004; ExAC 0.00007; gnomAD exomes 0.00008.
gnomAD v4.1: 130 of 1,614,030 alleles (0.0081%); highest among the groups gnomAD compares: South Asian, 0.035%; no homozygotes.

Submission:

CeGaT Center for Human Genetics Tuebingen
Classification: Likely benign. Last evaluated: 2024-07-01. Review status: criteria provided, single submitter. Criteria: CeGaT Center For Human Genetics Tuebingen Variant Classification Criteria Version 2. Collection method: clinical testing. Allele origin: germline. Affected: yes. Observed: 3 variant alleles.
Comment: SPEN: BP4, BP7